The following is an entry in ClinVar:

NM_000059.4(BRCA2):c.395G>A (p.Cys132Tyr)

Gene: BRCA2 (BRCA2 DNA repair associated; plus strand). Cytogenetic location: 13q13.1.
Variant type: single nucleotide variant.
Coding change: c.395G>A on transcript NM_000059.4 (MANE Select); coding-DNA position 395, G replaced by A.
Protein change: p.Cys132Tyr; replaces cysteine 132 with tyrosine.
Molecular consequence: missense variant.
Genome position (GRCh38, 1-based): chr13:32,325,154, G>A. VCF-style: chr13-32325154-G-A. GRCh37 (hg19) VCF-style: chr13-32899291-G-A.
Other names: short protein forms C132Y.
Identifiers: ClinVar variation 1040977 (VCV001040977.9), dbSNP rs2072335126, ClinGen allele CA387756692.

ClinVar aggregate classification (germline): Uncertain significance (1 of 4 stars; one submission).

Conditions:
Hereditary breast ovarian cancer syndrome. Also called: Hereditary breast and ovarian cancer syndrome (HBOC); Breast and ovarian cancer; Hereditary breast and ovarian cancer syndrome; Hereditary breast and ovarian cancer; Hereditary breast and/or ovarian cancer syndrome; BRCA1- and BRCA2-Associated Hereditary Breast and Ovarian Cancer. Identifiers: Orphanet 145, MedGen C0677776, MeSH D061325, MONDO:0003582. Disease mechanism: loss of function.

Submission:

Labcorp Genetics (formerly Invitae), Labcorp
Classification: Uncertain significance for Hereditary breast ovarian cancer syndrome. Last evaluated: 2022-01-28. Review status: criteria provided, single submitter. Criteria: Invitae Variant Classification Sherloc (09022015). Collection method: clinical testing. Allele origin: germline.
Comment: This variant is not present in population databases (gnomAD no frequency). This sequence change replaces cysteine, which is neutral and slightly polar, with tyrosine, which is neutral and polar, at codon 132 of the BRCA2 protein (p.Cys132Tyr). This variant has not been reported in the literature in individuals affected with BRCA2-related conditions. In summary, the available evidence is currently insufficient to determine the role of this variant in disease. Therefore, it has been classified as a Variant of Uncertain Significance. Advanced modeling of protein sequence and biophysical properties (such as structural, functional, and spatial information, amino acid conservation, physicochemical variation, residue mobility, and thermodynamic stability) performed at Invitae indicates that this missense variant is not expected to disrupt BRCA2 protein function. ClinVar contains an entry for this variant (Variation ID: 1040977).